The following is an entry in ClinVar:

NM_001426.4(EN1):c.513C>T (p.Cys171=)

Gene: EN1 (engrailed homeobox 1; minus strand). Cytogenetic location: 2q14.2.
Variant type: single nucleotide variant.
Coding change: c.513C>T on transcript NM_001426.4 (MANE Select); coding-DNA position 513, C replaced by T.
Protein change: p.Cys171=; no amino-acid change (cysteine 171 retained).
Molecular consequence: synonymous variant.
Genome position (GRCh38, 1-based): chr2:118,846,655, G>A on the plus strand (C>T on the coding strand, the complement: EN1 is on the minus strand). VCF-style: chr2-118846655-G-A. GRCh37 (hg19) VCF-style: chr2-119604231-G-A.
Identifiers: ClinVar variation 2651294 (VCV002651294.24), dbSNP rs375477142, ClinGen allele CA1845411.
Genomic context (GRCh38, chr2:118,846,655, plus strand): 5'-GCCCGCGCCGGCGGCGGCTGGCTGGGAGCCGTCGGGTGGGCCACAGTTCGCGTCCGGGGC[G>A]CACAGGAGCGAGGCAGCGCCTGGCGCCCGGGTGCCCAACGGGTGGACAGGGTCTCTACCT-3'
Protein context (NP_001417.3, residues 161-181): TRAPGAASLL[Cys171=]APDANCGPPD

ClinVar aggregate classification (germline): Likely benign (1 of 4 stars; one submission).

Allele frequency attached by ClinVar (database versions not stated): 1000 Genomes Project 0.00060; 1000 Genomes Project 30x 0.00062; gnomAD 0.00077; TOPMed 0.00086; ESP Exome Variant Server 0.00088; ExAC 0.00125.
gnomAD v4.1: 2,426 of 1,559,520 alleles (0.16%); highest among the groups gnomAD compares: Non-Finnish European, 0.2%; 1 homozygote.

Submission:

CeGaT Center for Human Genetics Tuebingen
Classification: Likely benign. Last evaluated: 2022-06-01. Review status: criteria provided, single submitter. Criteria: CeGaT Center For Human Genetics Tuebingen Variant Classification Criteria Version 2. Collection method: clinical testing. Allele origin: germline. Affected: yes. Observed: 1 variant allele.
Comment: EN1: BP4, BP7